The following is an entry in ClinVar:

ClinVar aggregate classification (germline): Uncertain significance (1 of 4 stars; one submission).

Allele frequency attached by ClinVar (database versions not stated): gnomAD 0.00001; TOPMed 0.00001; gnomAD exomes 0.00002.

Submission:

Labcorp Genetics (formerly Invitae), Labcorp
Classification: Uncertain significance. Last evaluated: 2023-10-14. Review status: criteria provided, single submitter. Criteria: Invitae Variant Classification Sherloc (09022015). Collection method: clinical testing. Allele origin: germline.
Comment: This sequence change replaces arginine, which is basic and polar, with tryptophan, which is neutral and slightly polar, at codon 1484 of the ABCA3 protein (p.Arg1484Trp). This variant is present in population databases (no rsID available, gnomAD 0.003%). This variant has not been reported in the literature in individuals affected with ABCA3-related conditions. Advanced modeling of protein sequence and biophysical properties (such as structural, functional, and spatial information, amino acid conservation, physicochemical variation, residue mobility, and thermodynamic stability) performed at Invitae indicates that this missense variant is not expected to disrupt ABCA3 protein function. In summary, the available evidence is currently insufficient to determine the role of this variant in disease. Therefore, it has been classified as a Variant of Uncertain Significance.

NM_001089.3(ABCA3):c.4450C>T (p.Arg1484Trp)

Gene: ABCA3 (ATP binding cassette subfamily A member 3; minus strand). Cytogenetic location: 16p13.3.
Variant type: single nucleotide variant.
Coding change: c.4450C>T on transcript NM_001089.3 (MANE Select); coding-DNA position 4450, C replaced by T.
Protein change: p.Arg1484Trp; replaces arginine 1484 with tryptophan.
Molecular consequence: missense variant.
Genome position (GRCh38, 1-based): chr16:2,279,040, G>A on the plus strand (C>T on the coding strand, the complement: ABCA3 is on the minus strand). VCF-style: chr16-2279040-G-A. GRCh37 (hg19) VCF-style: chr16-2329041-G-A.
Other names: short protein forms R1484W.
Identifiers: ClinVar variation 2721820 (VCV002721820.3), dbSNP rs1027580482, ClinGen allele CA276820710.